The following is an entry in ClinVar:

ClinVar aggregate classification (germline): Pathogenic (1 of 4 stars; one submission).

Submission:

GeneDx
Classification: Pathogenic. Last evaluated: 2022-01-12. Review status: criteria provided, single submitter. Criteria: GeneDx Variant Classification Process June 2021. Collection method: clinical testing. Allele origin: germline. Affected: yes.
Comment: Canonical splice site variant in a gene for which loss-of-function is a known mechanism of disease; Not observed in large population cohorts (gnomAD); This variant is associated with the following publications: (PMID: 33196764)

NM_001278116.2(L1CAM):c.1828+1G>A

Gene: L1CAM (L1 cell adhesion molecule; minus strand). Cytogenetic location: Xq28.
Variant type: single nucleotide variant.
Coding change: c.1828+1G>A on transcript NM_001278116.2 (MANE Select); the canonical splice donor site of the intron after coding-DNA position 1828, G replaced by A.
Molecular consequence: splice donor variant.
Genome position (GRCh38, 1-based): chrX:153,867,997, C>T on the plus strand (G>A on the coding strand, the complement: L1CAM is on the minus strand). VCF-style: chrX-153867997-C-T. GRCh37 (hg19) VCF-style: chrX-153133452-C-T.
Other names: c.1813+1G>A (NM_001143963.2); c.1828+1G>A (NM_024003.3, NM_000425.5).
Identifiers: ClinVar variation 1204898 (VCV001204898.5), dbSNP rs2148496168, ClinGen allele CA415123151.